The following is an entry in ClinVar:

ClinVar aggregate classification (germline): Uncertain significance (1 of 4 stars; one submission).

Submission:

Labcorp Genetics (formerly Invitae), Labcorp
Classification: Uncertain significance. Last evaluated: 2025-12-01. Review status: criteria provided, single submitter. Criteria: Invitae Variant Classification Sherloc (09022015). Collection method: clinical testing. Allele origin: germline.
Comment: This sequence change replaces valine, which is neutral and non-polar, with isoleucine, which is neutral and non-polar, at codon 2138 of the SZT2 protein (p.Val2138Ile). This variant is not present in population databases (gnomAD no frequency). This variant has not been reported in the literature in individuals affected with SZT2-related conditions. ClinVar contains an entry for this variant (Variation ID: 1061002). Invitae Evidence Modeling of protein sequence and biophysical properties (such as structural, functional, and spatial information, amino acid conservation, physicochemical variation, residue mobility, and thermodynamic stability) has been performed for this missense variant. However, the output from this modeling did not meet the statistical confidence thresholds required to predict the impact of this variant on SZT2 protein function. In summary, the available evidence is currently insufficient to determine the role of this variant in disease. Therefore, it has been classified as a Variant of Uncertain Significance.

NM_001365999.1(SZT2):c.6583G>A (p.Val2195Ile)

Gene: SZT2 (SZT2 subunit of KICSTOR complex; plus strand). Cytogenetic location: 1p34.2.
Variant type: single nucleotide variant.
Coding change: c.6583G>A on transcript NM_001365999.1 (MANE Select); coding-DNA position 6583, G replaced by A.
Protein change: p.Val2195Ile; replaces valine 2195 with isoleucine.
Molecular consequence: missense variant.
Genome position (GRCh38, 1-based): chr1:43,438,773, G>A. VCF-style: chr1-43438773-G-A. GRCh37 (hg19) VCF-style: chr1-43904444-G-A.
Other names: c.6412G>A, p.Val2138Ile (NM_015284.4); short protein forms V2138I, V2195I.
Identifiers: ClinVar variation 1061002 (VCV001061002.9), dbSNP rs2153935271, ClinGen allele CA340031071.